The following is an entry in ClinVar:

NM_001134407.3(GRIN2A):c.2765C>T (p.Ala922Val)

Gene: GRIN2A (glutamate ionotropic receptor NMDA type subunit 2A; minus strand). Cytogenetic location: 16p13.2.
Variant type: single nucleotide variant.
Coding change: c.2765C>T on transcript NM_001134407.3 (MANE Select); coding-DNA position 2765, C replaced by T.
Protein change: p.Ala922Val; replaces alanine 922 with valine.
Molecular consequence: missense variant.
Genome position (GRCh38, 1-based): chr16:9,764,779, G>A on the plus strand (C>T on the coding strand, the complement: GRIN2A is on the minus strand). VCF-style: chr16-9764779-G-A. GRCh37 (hg19) VCF-style: chr16-9858636-G-A.
Other names: p.A922V:GCT>GTT; c.2765C>T, p.Ala922Val (NM_000833.5, NM_001134408.2); short protein forms A922V.
Identifiers: ClinVar variation 205662 (VCV000205662.28), dbSNP rs200037904, ClinGen allele CA314956.

ClinVar aggregate classification (germline): Conflicting classifications of pathogenicity. Review status: criteria provided, conflicting classifications (1 of 4 stars). 5 submissions from 5 submitters: Uncertain significance (1); Likely benign (4). Last evaluated 2026-01-26.

Conditions:
Landau-Kleffner syndrome (FESD). Also called: APHASIA, ACQUIRED, WITH EPILEPSY; EPILEPSY, FOCAL, WITH SPEECH DISORDER AND WITH OR WITHOUT MENTAL RETARDATION. Identifiers: Orphanet 1945, Orphanet 725, Orphanet 98818, MedGen C0282512, MONDO:0009509, OMIM 245570.

Allele frequency attached by ClinVar (database versions not stated): TOPMed 0.00005; gnomAD 0.00006; ESP Exome Variant Server 0.00008.
gnomAD v4.1: 63 of 1,614,210 alleles (0.0039%); highest among the groups gnomAD compares: Middle Eastern, 0.049%; no homozygotes.

Submissions (5):

Labcorp Genetics (formerly Invitae), Labcorp
Classification: Likely benign for Landau-Kleffner syndrome. Last evaluated: 2026-01-26. Review status: criteria provided, single submitter. Criteria: Invitae Variant Classification Sherloc (09022015). Collection method: clinical testing. Allele origin: germline.

CeGaT Center for Human Genetics Tuebingen
Classification: Likely benign. Last evaluated: 2025-07-01. Review status: criteria provided, single submitter. Criteria: CeGaT Center For Human Genetics Tuebingen Variant Classification Criteria Version 2. Collection method: clinical testing. Allele origin: germline. Affected: yes. Observed: 1 variant allele.
Comment: GRIN2A: BP4

Blueprint Genetics
Classification: Uncertain significance. Last evaluated: 2024-03-27. Review status: criteria provided, single submitter. Criteria: ACMG Guidelines, 2015. Collection method: clinical testing. Allele origin: germline.

GeneDx
Classification: Likely benign. Last evaluated: 2019-05-21. Review status: criteria provided, single submitter. Criteria: GeneDx Variant Classification Process June 2021. Collection method: clinical testing. Allele origin: germline. Affected: yes.
Comment: This variant is associated with the following publications: (PMID: 26763624, 25904555)

Breakthrough Genomics
Classification: Likely benign. Review status: criteria provided, single submitter. Criteria: ACMG Guidelines, 2015. Collection method: not provided. Allele origin: germline. Inheritance: Autosomal dominant inheritance. Affected: yes.